The following is an entry in ClinVar:

NM_007294.4(BRCA1):c.3901A>T (p.Ser1301Cys)

Genes: BRCA1 (BRCA1 DNA repair associated; minus strand), LOC126862571 (BRD4-independent group 4 enhancer GRCh37_chr17:41243136-41244335; plus strand). Cytogenetic location: 17q21.31.
Variant type: single nucleotide variant.
Coding change: c.3901A>T on transcript NM_007294.4 (MANE Select); coding-DNA position 3901, A replaced by T.
Protein change: p.Ser1301Cys; replaces serine 1301 with cysteine.
Molecular consequence: missense variant. On other transcripts: intron variant (135).
Genome position (GRCh38, 1-based): chr17:43,091,630, T>A on the plus strand (A>T on the coding strand, the complement: BRCA1 is on the minus strand). VCF-style: chr17-43091630-T-A. GRCh37 (hg19) VCF-style: chr17-41243647-T-A.
Other names: c.3901A>T, p.Ser1301Cys (NM_001407597.1, NM_001407598.1, NM_001407602.1 and 30 more transcripts); c.3517A>T, p.Ser1173Cys (NM_001407962.1); c.3013A>T, p.Ser1005Cys (NM_001407966.1, NM_001407967.1); c.1297A>T, p.Ser433Cys (NM_001407968.1, NM_001407969.1); c.3520A>T, p.Ser1174Cys (NM_001407963.1, NM_001407959.1, NM_001407960.1); c.3757A>T, p.Ser1253Cys (NM_001407964.1, NM_001407740.1, NM_001407741.1 and 20 more transcripts); c.3397A>T, p.Ser1133Cys (NM_001407965.1); c.3898A>T, p.Ser1300Cys (NM_001407614.1, NM_001407611.1, NM_001407610.1 and 22 more transcripts); and 41 more; short protein forms S1301C, S1254C, S1133C, S1230C, S1233C, S1234C, S433C, S1190C.
Identifiers: ClinVar variation 441430 (VCV000441430.16), dbSNP rs786203580, ClinGen allele CA10594162.

ClinVar aggregate classification (germline): Conflicting classifications of pathogenicity. Review status: criteria provided, conflicting classifications (1 of 4 stars). 4 submissions from 4 submitters: Uncertain significance (3); Likely benign (1). Last evaluated 2025-09-16.

Conditions:
Hereditary cancer-predisposing syndrome. Also called: Hereditary Cancer Syndrome; Hereditary neoplastic syndrome; Neoplastic Syndromes, Hereditary; Tumor predisposition. Identifiers: Orphanet 140162, MedGen C0027672, MeSH D009386, MONDO:0015356.
Hereditary breast ovarian cancer syndrome. Also called: Hereditary breast and ovarian cancer; Breast and ovarian cancer; Hereditary breast and ovarian cancer syndrome; Hereditary breast and/or ovarian cancer syndrome; BRCA1- and BRCA2-Associated Hereditary Breast and Ovarian Cancer; Hereditary breast and ovarian cancer syndrome (HBOC). Identifiers: Orphanet 145, MedGen C0677776, MeSH D061325, MONDO:0003582. Disease mechanism: loss of function.

Submissions (4):

Labcorp Genetics (formerly Invitae), Labcorp
Classification: Uncertain significance for Hereditary breast ovarian cancer syndrome. Last evaluated: 2025-09-16. Review status: criteria provided, single submitter. Criteria: Invitae Variant Classification Sherloc (09022015). Collection method: clinical testing. Allele origin: germline.
Comment: This sequence change replaces serine, which is neutral and polar, with cysteine, which is neutral and slightly polar, at codon 1301 of the BRCA1 protein (p.Ser1301Cys). This variant is not present in population databases (gnomAD no frequency). This variant has not been reported in the literature in individuals affected with BRCA1-related conditions. ClinVar contains an entry for this variant (Variation ID: 441430). Invitae Evidence Modeling of protein sequence and biophysical properties (such as structural, functional, and spatial information, amino acid conservation, physicochemical variation, residue mobility, and thermodynamic stability) indicates that this missense variant is expected to disrupt BRCA1 protein function with a positive predictive value of 80%. In summary, the available evidence is currently insufficient to determine the role of this variant in disease. Therefore, it has been classified as a Variant of Uncertain Significance.

University of Washington Department of Laboratory Medicine, University of Washington
Classification: Likely benign for Hereditary cancer-predisposing syndrome. Last evaluated: 2023-03-23. Review status: criteria provided, single submitter. Criteria: Dines et al. (Genet Med. 2020). Collection method: curation. Allele origin: germline.
Comment: Missense variant in a coldspot region where missense variants are very unlikely to be pathogenic (PMID:31911673).

BRCA1 coldspot (exon 11 using historical exon numbering). Reclassification based on statistical prior probability

Color Diagnostics, LLC DBA Color Health
Classification: Uncertain significance for Hereditary cancer-predisposing syndrome. Last evaluated: 2020-09-15. Review status: criteria provided, single submitter. Criteria: ACMG Guidelines, 2015. Collection method: clinical testing. Allele origin: germline.
Comment: This missense variant replaces serine with cysteine at codon 1301 of the BRCA1 protein. Computational prediction suggests that this variant may not impact protein structure and function (internally defined REVEL score threshold <= 0.5, PMID: 27666373). To our knowledge, functional studies have not been reported for this variant. This variant has not been reported in individuals affected with hereditary cancer in the literature. This variant has not been identified in the general population by the Genome Aggregation Database (gnomAD). The available evidence is insufficient to determine the role of this variant in disease conclusively. Therefore, this variant is classified as a Variant of Uncertain Significance.

Ambry Genetics
Classification: Uncertain significance for Hereditary cancer-predisposing syndrome. Last evaluated: 2015-10-20. Review status: criteria provided, single submitter. Criteria: Ambry Variant Classification Scheme 2023. Collection method: clinical testing. Allele origin: germline.
Comment: The p.S1301C variant (also known as c.3901A>T), located in coding exon 9 of the BRCA1 gene, results from an A to T substitution at nucleotide position 3901. The serine at codon 1301 is replaced by cysteine, an amino acid with dissimilar properties. This variant was not reported in population based cohorts in the following databases: Database of Single Nucleotide Polymorphisms (dbSNP), NHLBI Exome Sequencing Project (ESP), and 1000 Genomes Project. In the ESP, this variant was not observed in 6503 samples (13006 alleles) with coverage at this position. To date, this alteration has been detected with an allele frequency of approximately 0.001% (greater than 150000 alleles tested) in our clinical cohort. This amino acid position is well conserved in available vertebrate species. In addition, the in silico prediction for this alteration is inconclusive. Since supporting evidence is limited at this time, the clinical significance of p.S1301C remains unclear.